The following is an entry in ClinVar:

ClinVar aggregate classification (germline): Uncertain significance. Review status: criteria provided, multiple submitters, no conflicts (2 of 4 stars). 2 submissions from 2 submitters: Uncertain significance (2). Last evaluated 2025-06-23.

Conditions:
Arrhythmogenic right ventricular dysplasia 13. Also called: ARRHYTHMOGENIC RIGHT VENTRICULAR CARDIOMYOPATHY 13; Arrhythmogenic right ventricular dysplasia, familial, 13. Identifiers: MedGen C3810138, MONDO:0000908, OMIM 615616.

Allele frequency attached by ClinVar (database versions not stated): gnomAD 0.00001 and 0.00003; TOPMed 0.00002; ESP Exome Variant Server 0.00008; 1000 Genomes Project 0.00020; 1000 Genomes Project 30x 0.00031.
gnomAD v4.1: 21 of 1,613,006 alleles (0.0013%); highest among the groups gnomAD compares: South Asian, 0.018%; no homozygotes.

Submissions (2):

Ambry Genetics
Classification: Uncertain significance. Last evaluated: 2025-06-23. Review status: criteria provided, single submitter. Criteria: Ambry Variant Classification Scheme 2023. Collection method: clinical testing. Allele origin: germline.
Comment: The p.R208Q variant (also known as c.623G>A), located in coding exon 5 of the CTNNA3 gene, results from a G to A substitution at nucleotide position 623. The arginine at codon 208 is replaced by glutamine, an amino acid with highly similar properties. This amino acid position is conserved. In addition, the in silico prediction for this alteration is inconclusive. Since supporting evidence is limited at this time, the clinical significance of this alteration remains unclear.

Labcorp Genetics (formerly Invitae), Labcorp
Classification: Uncertain significance for Arrhythmogenic right ventricular dysplasia 13. Last evaluated: 2024-10-02. Review status: criteria provided, single submitter. Criteria: Invitae Variant Classification Sherloc (09022015). Collection method: clinical testing. Allele origin: germline.
Comment: This sequence change replaces arginine, which is basic and polar, with glutamine, which is neutral and polar, at codon 208 of the CTNNA3 protein (p.Arg208Gln). This variant is present in population databases (rs369420715, gnomAD 0.01%). This variant has not been reported in the literature in individuals affected with CTNNA3-related conditions. ClinVar contains an entry for this variant (Variation ID: 1492034). Invitae Evidence Modeling of protein sequence and biophysical properties (such as structural, functional, and spatial information, amino acid conservation, physicochemical variation, residue mobility, and thermodynamic stability) indicates that this missense variant is expected to disrupt CTNNA3 protein function with a positive predictive value of 80%. In summary, the available evidence is currently insufficient to determine the role of this variant in disease. Therefore, it has been classified as a Variant of Uncertain Significance.

NM_013266.4(CTNNA3):c.623G>A (p.Arg208Gln)

Gene: CTNNA3 (catenin alpha 3; minus strand). Cytogenetic location: 10q21.3.
Variant type: single nucleotide variant.
Coding change: c.623G>A on transcript NM_013266.4 (MANE Select); coding-DNA position 623, G replaced by A.
Protein change: p.Arg208Gln; replaces arginine 208 with glutamine.
Molecular consequence: missense variant.
Genome position (GRCh38, 1-based): chr10:67,219,827, C>T on the plus strand (G>A on the coding strand, the complement: CTNNA3 is on the minus strand). VCF-style: chr10-67219827-C-T. GRCh37 (hg19) VCF-style: chr10-68979585-C-T.
Other names: c.623G>A, p.Arg208Gln (NM_001127384.3); c.659G>A, p.Arg220Gln (NM_001291133.2); short protein forms R220Q, R208Q.
Identifiers: ClinVar variation 1492034 (VCV001492034.9), dbSNP rs369420715, ClinGen allele CA5520533.